The following is an entry in ClinVar:

NM_032575.3(GLIS2):c.628G>A (p.Ala210Thr)

Gene: GLIS2 (GLIS family zinc finger 2; plus strand). Cytogenetic location: 16p13.3.
Variant type: single nucleotide variant.
Coding change: c.628G>A on transcript NM_032575.3 (MANE Select); coding-DNA position 628, G replaced by A.
Protein change: p.Ala210Thr; replaces alanine 210 with threonine.
Molecular consequence: missense variant.
Genome position (GRCh38, 1-based): chr16:4,335,165, G>A. VCF-style: chr16-4335165-G-A. GRCh37 (hg19) VCF-style: chr16-4385166-G-A.
Other names: c.628G>A, p.Ala210Thr (NM_001318918.2); short protein forms A210T.
Identifiers: ClinVar variation 2047699 (VCV002047699.3), dbSNP rs768457255, ClinGen allele CA7873056.

ClinVar aggregate classification (germline): Uncertain significance. Review status: criteria provided, multiple submitters, no conflicts (2 of 4 stars). 2 submissions from 2 submitters: Uncertain significance (2). Last evaluated 2024-05-08.

Conditions:
Nephronophthisis 7 (NPHP7). Identifiers: Orphanet 655, MedGen C1969092, MONDO:0012680, OMIM 611498.
Nephronophthisis. Also called: Juvenile Nephronophthisis. Identifiers: Orphanet 655, MedGen C0687120, MONDO:0019005, HP:0000090.

Allele frequency attached by ClinVar (database versions not stated): gnomAD 0.00003; TOPMed 0.00004; ExAC 0.00008.
gnomAD v4.1: 70 of 1,613,170 alleles (0.0043%); highest among the groups gnomAD compares: Admixed American, 0.017%; no homozygotes.

Submissions (2):

Fulgent Genetics
Classification: Uncertain significance for Nephronophthisis 7. Last evaluated: 2024-05-08. Review status: criteria provided, single submitter. Criteria: ACMG Guidelines, 2015. Collection method: clinical testing. Allele origin: germline.

Labcorp Genetics (formerly Invitae), Labcorp
Classification: Uncertain significance for Nephronophthisis. Last evaluated: 2022-01-18. Review status: criteria provided, single submitter. Criteria: Invitae Variant Classification Sherloc (09022015). Collection method: clinical testing. Allele origin: germline.
Comment: In summary, the available evidence is currently insufficient to determine the role of this variant in disease. Therefore, it has been classified as a Variant of Uncertain Significance. Algorithms developed to predict the effect of missense changes on protein structure and function are either unavailable or do not agree on the potential impact of this missense change (SIFT: "Deleterious"; PolyPhen-2: "Probably Damaging"; Align-GVGD: "Class C0"). This variant has not been reported in the literature in individuals affected with GLIS2-related conditions. This variant is present in population databases (rs768457255, gnomAD 0.02%). This sequence change replaces alanine, which is neutral and non-polar, with threonine, which is neutral and polar, at codon 210 of the GLIS2 protein (p.Ala210Thr).